The following is an entry in ClinVar:

NM_000535.7(PMS2):c.19_23+26delinsCC

Gene: PMS2 (PMS1 homolog 2, mismatch repair system component; minus strand). Cytogenetic location: 7p22.1.
Variant type: Indel.
Coding change: c.19_23+26delinsCC on transcript NM_000535.7 (MANE Select); coding-DNA position 19 through 26 bases into the intron after coding-DNA position 23, the reference bases replaced by CC.
Molecular consequence: splice donor variant. On other transcripts: 5 prime UTR variant (2).
Genome position (GRCh38, 1-based): chr7:6,008,971-6,009,001, 31 bases replaced. GRCh37 (hg19): chr7:6,048,602-6,048,632.
Other names: c.-577_-547delinsCC (NM_001322005.2); c.-572_-542delinsCC (NM_001322009.2); c.-656_-626del31insCC (NM_001406875.1, NM_001406882.1); c.-823_-793del31insCC (NM_001406877.1); c.-524_-494del31insCC (NM_001406894.1); c.-572_-542del31insCC (NM_001406897.1); c.-559_-529del31insCC (NM_001406898.1); c.-57_-53+26delinsCC (NM_001322008.2); and 7 more.
Identifiers: ClinVar variation 1782300 (VCV001782300.2), dbSNP rs2536703309, ClinGen allele CA2580077213.
Genomic context (GRCh38, chr7:6,008,971, plus strand): 5'-CCCCCATTTCCAGGGAGGTTGGAATGCCGTGGGTCTCAAAGAGGGCGCGCGAGAGGGGAC[ACCGGAAGACTGCGAGCCCCGCTCACCTCGA>GG]GCTCTCAGCTCGCTCCATGGATGCAACACCCGATCCGCCTCGGGGACTGGGAAAGTTCCC-3'

ClinVar aggregate classification (germline): Likely pathogenic (1 of 4 stars; one submission).

Conditions:
Hereditary cancer-predisposing syndrome. Also called: Neoplastic Syndromes, Hereditary; Tumor predisposition; Hereditary Cancer Syndrome; Hereditary neoplastic syndrome. Identifiers: Orphanet 140162, MedGen C0027672, MeSH D009386, MONDO:0015356.

Submission:

Ambry Genetics
Classification: Likely pathogenic for Hereditary cancer-predisposing syndrome. Last evaluated: 2019-11-26. Review status: criteria provided, single submitter. Criteria: Ambry Variant Classification Scheme 2023. Collection method: clinical testing. Allele origin: germline.
Comment: The c.19_23+26DEL31INSCC variant spans the canonical splice donor site of coding exon 1 in the PMS2 gene. This variant results from a deletion of 31 nucleotides and insertion of two nucleotides (CC) at positions c.19 to c.23+26. The canonical splice donor site is highly conserved in available vertebrate species. Using the BDGP and ESEfinder splice site prediction tools, this alteration is predicted to abolish the native splice donor site; however, direct evidence is insufficient at this time (Ambry internal data). Alterations that disrupt the canonical splice site are expected to cause aberrant splicing, resulting in an abnormal protein or a transcript that is subject to nonsense-mediated mRNA decay. As such, this alteration is classified as likely pathogenic.